The following is an entry in ClinVar:

ClinVar aggregate classification (germline): Uncertain significance (1 of 4 stars; one submission).

Conditions:
Familial hemophagocytic lymphohistiocytosis 2 (FHL2). Also called: PRF1-Related Familial Hemophagocytic Lymphohistiocytosis (PRF1-fHLH). Identifiers: Orphanet 540, MedGen C1863727, MONDO:0011337, OMIM 603553.

Allele frequency attached by ClinVar (database versions not stated): gnomAD exomes below 0.00001; ExAC 0.00001; gnomAD 0.00001.

Submission:

Labcorp Genetics (formerly Invitae), Labcorp
Classification: Uncertain significance for Familial hemophagocytic lymphohistiocytosis 2. Last evaluated: 2021-11-26. Review status: criteria provided, single submitter. Criteria: Invitae Variant Classification Sherloc (09022015). Collection method: clinical testing. Allele origin: germline.
Comment: This variant has not been reported in the literature in individuals affected with PRF1-related conditions. This sequence change replaces valine, which is neutral and non-polar, with alanine, which is neutral and non-polar, at codon 264 of the PRF1 protein (p.Val264Ala). This variant is present in population databases (rs764984064, gnomAD 0.003%). ClinVar contains an entry for this variant (Variation ID: 954830). Algorithms developed to predict the effect of missense changes on protein structure and function (SIFT, PolyPhen-2, Align-GVGD) all suggest that this variant is likely to be tolerated. In summary, the available evidence is currently insufficient to determine the role of this variant in disease. Therefore, it has been classified as a Variant of Uncertain Significance.

NM_001083116.3(PRF1):c.791T>C (p.Val264Ala)

Gene: PRF1 (perforin 1; minus strand). Cytogenetic location: 10q22.1.
Variant type: single nucleotide variant.
Coding change: c.791T>C on transcript NM_001083116.3 (MANE Select); coding-DNA position 791, T replaced by C.
Protein change: p.Val264Ala; replaces valine 264 with alanine.
Molecular consequence: missense variant.
Genome position (GRCh38, 1-based): chr10:70,598,930, A>G on the plus strand (T>C on the coding strand, the complement: PRF1 is on the minus strand). VCF-style: chr10-70598930-A-G. GRCh37 (hg19) VCF-style: chr10-72358686-A-G.
Other names: c.791T>C, p.Val264Ala (NM_005041.6); short protein forms V264A.
Identifiers: ClinVar variation 954830 (VCV000954830.6), dbSNP rs764984064, ClinGen allele CA5538914.